The following is an entry in ClinVar:

ClinVar aggregate classification (germline): Uncertain significance (1 of 4 stars; one submission).

Submission:

CeGaT Center for Human Genetics Tuebingen
Classification: Uncertain significance. Last evaluated: 2025-06-01. Review status: criteria provided, single submitter. Criteria: CeGaT Center For Human Genetics Tuebingen Variant Classification Criteria Version 2. Collection method: clinical testing. Allele origin: germline. Affected: yes. Observed: 1 variant allele.
Comment: POLR1A: PM2, PP2

NM_015425.6(POLR1A):c.1787C>T (p.Ala596Val)

Genes: POLR1A (RNA polymerase I subunit A; minus strand), LOC126806264 (MED14-independent group 3 enhancer GRCh37_chr2:86296595-86297794; plus strand). Cytogenetic location: 2p11.2.
Variant type: single nucleotide variant.
Coding change: c.1787C>T on transcript NM_015425.6 (MANE Select); coding-DNA position 1787, C replaced by T.
Protein change: p.Ala596Val; replaces alanine 596 with valine.
Molecular consequence: missense variant.
Genome position (GRCh38, 1-based): chr2:86,070,097, G>A on the plus strand (C>T on the coding strand, the complement: POLR1A is on the minus strand). VCF-style: chr2-86070097-G-A. GRCh37 (hg19) VCF-style: chr2-86297220-G-A.
Other names: short protein forms A596V.
Identifiers: ClinVar variation 4085147 (VCV004085147.8).
Genomic context (GRCh38, chr2:86,070,097, plus strand): 5'-TGATCAGTGCAGGCCAGGACGTAGGCCTCGGCCCGGCCCAGCTCACTCTGGGGGAAATGG[G>A]CATTCATCTCGTCTCCATCAAAGTCGGCATTATAGGCCTTGCAGTTGGCATAGTGGAGCC-3'
Protein context (NP_056240.2, residues 586-606): NADFDGDEMN[Ala596Val]HFPQSELGRA